The following is an entry in ClinVar:

NM_148960.3(CLDN19):c.74C>T (p.Thr25Ile)

Gene: CLDN19 (claudin 19; minus strand). Cytogenetic location: 1p34.2.
Variant type: single nucleotide variant.
Coding change: c.74C>T on transcript NM_148960.3 (MANE Select); coding-DNA position 74, C replaced by T.
Protein change: p.Thr25Ile; replaces threonine 25 with isoleucine.
Molecular consequence: missense variant.
Genome position (GRCh38, 1-based): chr1:42,739,990, G>A on the plus strand (C>T on the coding strand, the complement: CLDN19 is on the minus strand). VCF-style: chr1-42739990-G-A. GRCh37 (hg19) VCF-style: chr1-43205661-G-A.
Other names: c.74C>T, p.Thr25Ile (NM_001123395.2, NM_001185117.2); short protein forms T25I.
Identifiers: ClinVar variation 1464322 (VCV001464322.8), dbSNP rs2124050531, ClinGen allele CA339947733.

ClinVar aggregate classification (germline): Uncertain significance (1 of 4 stars; one submission).

Allele frequency attached by ClinVar (database versions not stated): gnomAD exomes below 0.00001.
gnomAD v4.1: 2 of 1,587,494 alleles (0.00013%); highest among the groups gnomAD compares: Non-Finnish European, 0.00017%; no homozygotes.

Submission:

Labcorp Genetics (formerly Invitae), Labcorp
Classification: Uncertain significance. Last evaluated: 2022-07-05. Review status: criteria provided, single submitter. Criteria: Invitae Variant Classification Sherloc (09022015). Collection method: clinical testing. Allele origin: germline.
Comment: In summary, the available evidence is currently insufficient to determine the role of this variant in disease. Therefore, it has been classified as a Variant of Uncertain Significance. Algorithms developed to predict the effect of missense changes on protein structure and function are either unavailable or do not agree on the potential impact of this missense change (SIFT: "Deleterious"; PolyPhen-2: "Probably Damaging"; Align-GVGD: "Class C0"). ClinVar contains an entry for this variant (Variation ID: 1464322). This variant has not been reported in the literature in individuals affected with CLDN19-related conditions. This variant is not present in population databases (gnomAD no frequency). This sequence change replaces threonine, which is neutral and polar, with isoleucine, which is neutral and non-polar, at codon 25 of the CLDN19 protein (p.Thr25Ile).